The following is an entry in ClinVar:

ClinVar aggregate classification (germline): Uncertain significance (1 of 4 stars; one submission).

Conditions:
Inborn genetic diseases. Identifiers: MedGen C0950123, MeSH D030342.

Allele frequency attached by ClinVar (database versions not stated): gnomAD exomes below 0.00001.
gnomAD v4.1: 1 of 1,614,100 alleles (0.000062%); highest among the groups gnomAD compares: Non-Finnish European, 0.000085%; no homozygotes.

Submission:

Ambry Genetics
Classification: Uncertain significance for Inborn genetic diseases. Last evaluated: 2019-12-27. Review status: criteria provided, single submitter. Criteria: Ambry Variant Classification Scheme 2023. Collection method: clinical testing. Allele origin: germline.
Comment: The p.D194A variant (also known as c.581A>C), located in coding exon 4 of the MFN2 gene, results from an A to C substitution at nucleotide position 581. The aspartic acid at codon 194 is replaced by alanine, an amino acid with dissimilar properties. This amino acid position is highly conserved in available vertebrate species. In addition, this alteration is predicted to be deleterious by in silico analysis. Since supporting evidence is limited at this time, the clinical significance of this alteration remains unclear.

NM_014874.4(MFN2):c.581A>C (p.Asp194Ala)

Gene: MFN2 (mitofusin 2; plus strand). Cytogenetic location: 1p36.22.
Variant type: single nucleotide variant.
Coding change: c.581A>C on transcript NM_014874.4 (MANE Select); coding-DNA position 581, A replaced by C.
Protein change: p.Asp194Ala; replaces aspartic acid 194 with alanine.
Molecular consequence: missense variant.
Genome position (GRCh38, 1-based): chr1:11,997,403, A>C. VCF-style: chr1-11997403-A-C. GRCh37 (hg19) VCF-style: chr1-12057460-A-C.
Other names: c.581A>C, p.Asp194Ala (NM_001127660.2); short protein forms D194A.
Identifiers: ClinVar variation 1749874 (VCV001749874.2), dbSNP rs2523021864, ClinGen allele CA338436973.
Genomic context (GRCh38, chr1:11,997,403, plus strand): 5'-ATGCCGGCAGCCTAGTGAGTGTGATGTGGCCCAACTCTAAGTGCCCACTTCTGAAGGATG[A>C]CCTCGTTTTGATGGACAGGTAAGAGGGAGGTGCCCTCCTAGGAGGTCCAAACTGGAAGGC-3'
Protein context (NP_055689.1, residues 184-204): PNSKCPLLKD[Asp194Ala]LVLMDSPGID